The following is an entry in ClinVar:

ClinVar aggregate classification (germline): Uncertain significance (1 of 4 stars; one submission).

Allele frequency attached by ClinVar (database versions not stated): gnomAD exomes below 0.00001; TOPMed below 0.00001.
gnomAD v4.1: 3 of 1,614,134 alleles (0.00019%); highest among the groups gnomAD compares: South Asian, 0.0011%; no homozygotes.

Submission:

Labcorp Genetics (formerly Invitae), Labcorp
Classification: Uncertain significance. Last evaluated: 2021-11-16. Review status: criteria provided, single submitter. Criteria: Invitae Variant Classification Sherloc (09022015). Collection method: clinical testing. Allele origin: germline.
Comment: In summary, the available evidence is currently insufficient to determine the role of this variant in disease. Therefore, it has been classified as a Variant of Uncertain Significance. Algorithms developed to predict the effect of missense changes on protein structure and function are either unavailable or do not agree on the potential impact of this missense change (SIFT: "Deleterious"; PolyPhen-2: "Benign"; Align-GVGD: "Class C0"). This variant has not been reported in the literature in individuals affected with DMXL2-related conditions. This variant is not present in population databases (gnomAD no frequency). This sequence change replaces alanine, which is neutral and non-polar, with threonine, which is neutral and polar, at codon 2584 of the DMXL2 protein (p.Ala2584Thr).

NM_001378457.1(DMXL2):c.7750G>A (p.Ala2584Thr)

Gene: DMXL2 (Dmx like 2; minus strand). Cytogenetic location: 15q21.2.
Variant type: single nucleotide variant.
Coding change: c.7750G>A on transcript NM_001378457.1 (MANE Select); coding-DNA position 7750, G replaced by A.
Protein change: p.Ala2584Thr; replaces alanine 2584 with threonine.
Molecular consequence: missense variant. On other transcripts: non-coding transcript variant (1), intron variant (2).
Genome position (GRCh38, 1-based): chr15:51,464,733, C>T on the plus strand (G>A on the coding strand, the complement: DMXL2 is on the minus strand). VCF-style: chr15-51464733-C-T. GRCh37 (hg19) VCF-style: chr15-51756930-C-T.
Other names: c.7750G>A, p.Ala2584Thr (NM_001174116.3, NM_001378461.1); c.5839G>A, p.Ala1947Thr (NM_001174117.3); c.7747G>A, p.Ala2583Thr (NM_001378458.1, NM_001378462.1, NM_015263.5); c.5728G>A, p.Ala1910Thr (NM_001378460.1); c.7507G>A, p.Ala2503Thr (NM_001378464.1); c.7521-1237G>A (NM_001378459.1); c.7606+833G>A (NM_001378463.1); short protein forms A1947T, A2584T, A2583T, A1910T, A2503T.
Identifiers: ClinVar variation 1375411 (VCV001375411.6), dbSNP rs1038852453, ClinGen allele CA270586088.